The following is an entry in ClinVar:

ClinVar aggregate classification (germline): Likely benign (1 of 4 stars; one submission).

gnomAD v4.1: 48 of 1,614,122 alleles (0.003%); highest among the groups gnomAD compares: Non-Finnish European, 0.0039%; no homozygotes.

Submission:

CeGaT Center for Human Genetics Tuebingen
Classification: Likely benign. Last evaluated: 2022-05-01. Review status: criteria provided, single submitter. Criteria: CeGaT Center For Human Genetics Tuebingen Variant Classification Criteria Version 2. Collection method: clinical testing. Allele origin: germline. Affected: yes. Observed: 1 variant allele.
Comment: HIVEP2: BP4

NM_006734.4(HIVEP2):c.1275C>A (p.Ile425=)

Gene: HIVEP2 (HIVEP zinc finger 2; minus strand). Cytogenetic location: 6q24.2.
Variant type: single nucleotide variant.
Coding change: c.1275C>A on transcript NM_006734.4 (MANE Select); coding-DNA position 1275, C replaced by A.
Protein change: p.Ile425=; no amino-acid change (isoleucine 425 retained).
Molecular consequence: synonymous variant.
Genome position (GRCh38, 1-based): chr6:142,773,464, G>T on the plus strand (C>A on the coding strand, the complement: HIVEP2 is on the minus strand). VCF-style: chr6-142773464-G-T. GRCh37 (hg19) VCF-style: chr6-143094601-G-T.
Identifiers: ClinVar variation 1695169 (VCV001695169.31), dbSNP rs375105887, ClinGen allele CA149019737.